The following is an entry in ClinVar:

ClinVar aggregate classification (germline): Uncertain significance (1 of 4 stars; one submission).

Allele frequency attached by ClinVar (database versions not stated): gnomAD exomes below 0.00001; TOPMed below 0.00001.
gnomAD v4.1: 4 of 1,613,658 alleles (0.00025%); highest among the groups gnomAD compares: Non-Finnish European, 0.00034%; no homozygotes.

Submission:

GeneDx
Classification: Uncertain significance. Last evaluated: 2023-04-14. Review status: criteria provided, single submitter. Criteria: GeneDx Variant Classification Process June 2021. Collection method: clinical testing. Allele origin: germline. Affected: yes.
Comment: Not observed at significant frequency in large population cohorts (gnomAD); In silico analysis supports that this missense variant has a deleterious effect on protein structure/function; Has not been previously published as pathogenic or benign to our knowledge.

NM_002585.4(PBX1):c.1123C>T (p.Arg375Cys)

Gene: PBX1 (PBX homeobox 1; plus strand). Cytogenetic location: 1q23.3.
Variant type: single nucleotide variant.
Coding change: c.1123C>T on transcript NM_002585.4 (MANE Select); coding-DNA position 1123, C replaced by T.
Protein change: p.Arg375Cys; replaces arginine 375 with cysteine.
Molecular consequence: missense variant.
Genome position (GRCh38, 1-based): chr1:164,821,549, C>T. VCF-style: chr1-164821549-C-T. GRCh37 (hg19) VCF-style: chr1-164790786-C-T.
Other names: c.1010C>T, p.Ser337Leu (NM_001204961.2, NM_001353131.2); c.1123C>T, p.Arg375Cys (NM_001204963.2); c.874C>T, p.Arg292Cys (NM_001353130.1); short protein forms R292C, R375C, S337L.
Identifiers: ClinVar variation 2663011 (VCV002663011.1), dbSNP rs868781414, ClinGen allele CA32165905.